The following is an entry in ClinVar:

ClinVar aggregate classification (germline): Pathogenic (1 of 4 stars; one submission).

Conditions:
Nephronophthisis. Also called: Juvenile Nephronophthisis. Identifiers: Orphanet 655, MedGen C0687120, MONDO:0019005, HP:0000090.
Meckel-Gruber syndrome. Also called: DYSENCEPHALIA SPLANCHNOCYSTICA; GRUBER SYNDROME; Dysencephalia splachnocystica. Identifiers: Orphanet 564, MedGen C0265215, MONDO:0018921.
Joubert syndrome. Also called: CEREBELLOPARENCHYMAL DISORDER IV; JOUBERT-BOLTSHAUSER SYNDROME; Familial aplasia of the vermis. Identifiers: Orphanet 475, MedGen C5979921, MONDO:0018772.

Submission:

Labcorp Genetics (formerly Invitae), Labcorp
Classification: Pathogenic for Joubert syndrome; Meckel-Gruber syndrome; Nephronophthisis. Last evaluated: 2023-09-20. Review status: criteria provided, single submitter. Criteria: Invitae Variant Classification Sherloc (09022015). Collection method: clinical testing. Allele origin: germline.
Comment: This sequence change inserts a large fragment of DNA, likely a transposable element, in exon 27 of the CEP290 gene (c.3023_3024ins?), causing a frameshift at codon 1008 (p.Glu1008fs). The exact size and sequence of the insertion cannot be determined by the current assay. However, the insertion is expected to result in an absent or disrupted protein product. This variant is not present in population databases (gnomAD no frequency). This variant has not been reported in the literature in individuals affected with CEP290-related conditions. Retrotransposon insertions including LINE1 (L1), Alu, and SVA (SINE-VNTR-Alu) have been reported to be disease-causing through disruption of either a coding region or splice site (PMID: 19763152, 20307669, 22406018) and loss-of-function variants in CEP290 are known to be pathogenic (PMID: 16909394, 17345604, 20690115). For these reasons, this variant has been classified as Pathogenic.

Literature cited by the submitters: PubMed 19763152; PubMed 20307669; PubMed 22406018; PubMed 16909394; PubMed 17345604; PubMed 20690115.

NM_025114.4(CEP290):c.3023_3024insCCTGTAGTCCCAGCTACTTGGGAGGCTGAGGCAGGAGAATGGCGTGAACCCGGGAGGCGGAGCTTGCAGTGAGCCGAGATCCCGCCACTGCACTCCAGCCTGGGCGACAGANNNNNNNNNNAAAAAAAAAAAAAAAAAAAAGAACAAGTGGA (p.Glu1008delinsAspLeuTer)

Gene: CEP290 (centrosomal protein 290; minus strand). Cytogenetic location: 12q21.32.
Variant type: Insertion.
Coding change: c.3023_3024insCCTGTAGTCCCAGCTACTTGGGAGGCTGAGGCAGGAGAATGGCGTGAACCCGGGAGGCGGAGCTTGCAGTGAGCCGAGATCCCGCCACTGCACTCCAGCCTGGGCGACAGANNNNNNNNNNAAAAAAAAAAAAAAAAAAAAGAACAAGTGGA on transcript NM_025114.4 (MANE Select); coding-DNA positions 3023 to 3024, CCTGTAGTCCCAGCTACTTGGGAGGCTGAGGCAGGAGAATGGCGTGAACCCGGGAGGCGGAGCTTGCAGTGAGCCGAGATCCCGCCACTGCACTCCAGCCTGGGCGACAGANNNNNNNNNNAAAAAAAAAAAAAAAAAAAAGAACAAGTGGA inserted.
Protein change: p.Glu1008delinsAspLeuTer.
Molecular consequence: nonsense.
Genome position: GRCh38: chr12:88,096,982-88,096,983. GRCh37 (hg19): chr12:88,490,759-88,490,760.
Identifiers: ClinVar variation 1452975 (VCV001452975.6), dbSNP rs2137425453.